The following is an entry in ClinVar:

NM_001374736.1(DST):c.20579G>A (p.Arg6860His)

Gene: DST (dystonin; minus strand). Cytogenetic location: 6p12.1.
Variant type: single nucleotide variant.
Coding change: c.20579G>A on transcript NM_001374736.1 (MANE Select); coding-DNA position 20579, G replaced by A.
Protein change: p.Arg6860His; replaces arginine 6860 with histidine.
Molecular consequence: missense variant.
Genome position (GRCh38, 1-based): chr6:56,492,405, C>T on the plus strand (G>A on the coding strand, the complement: DST is on the minus strand). VCF-style: chr6-56492405-C-T. GRCh37 (hg19) VCF-style: chr6-56357203-C-T.
Other names: c.14222G>A, p.Arg4741His (NM_001144769.5); c.13808G>A, p.Arg4603His (NM_001144770.2); c.20579G>A, p.Arg6860His (NM_001374722.1); c.19619G>A, p.Arg6540His (NM_001374729.1); c.13361G>A, p.Arg4454His (NM_001374730.1); c.20606G>A, p.Arg6869His (NM_001374734.1); c.13688G>A, p.Arg4563His (NM_001386100.1, NM_183380.4); c.12710G>A, p.Arg4237His (NM_015548.5); short protein forms R6860H, R6869H, R4603H, R4741H, R6540H, R4454H, R4237H, R4563H.
Identifiers: ClinVar variation 1772275 (VCV001772275.2), dbSNP rs1450180469, ClinGen allele CA364515534.

ClinVar aggregate classification (germline): Uncertain significance (1 of 4 stars; one submission).

Conditions:
Inborn genetic diseases. Identifiers: MedGen C0950123, MeSH D030342.

Allele frequency attached by ClinVar (database versions not stated): gnomAD 0.00001.
gnomAD v4.1: 6 of 1,612,880 alleles (0.00037%); highest among the groups gnomAD compares: Admixed American, 0.005%; no homozygotes.

Submission:

Ambry Genetics
Classification: Uncertain significance for Inborn genetic diseases. Last evaluated: 2020-12-24. Review status: criteria provided, single submitter. Criteria: Ambry Variant Classification Scheme 2023. Collection method: clinical testing. Allele origin: germline.
Comment: The p.R4741H variant (also known as c.14222G>A), located in coding exon 79 of the DST gene, results from a G to A substitution at nucleotide position 14222. The arginine at codon 4741 is replaced by histidine, an amino acid with highly similar properties. This amino acid position is highly conserved in available vertebrate species. In addition, the in silico prediction for this alteration is inconclusive. Since supporting evidence is limited at this time, the clinical significance of this alteration remains unclear.